The following is an entry in ClinVar:

ClinVar aggregate classification (germline): Conflicting classifications of pathogenicity. Review status: criteria provided, conflicting classifications (1 of 4 stars). 2 submissions from 2 submitters: Likely pathogenic (1); Uncertain significance (1). Last evaluated 2022-12-01.

Conditions:
Hypertrophic cardiomyopathy. Also called: HYPERTROPHIC MYOCARDIOPATHY. Identifiers: Orphanet 217569, MedGen C0007194, MeSH D002312, MONDO:0005045, HP:0001639.

Submissions (2):

Labcorp Genetics (formerly Invitae), Labcorp
Classification: Uncertain significance for Hypertrophic cardiomyopathy. Last evaluated: 2022-12-01. Review status: criteria provided, single submitter. Criteria: Invitae Variant Classification Sherloc (09022015). Collection method: clinical testing. Allele origin: germline.
Comment: In summary, the available evidence is currently insufficient to determine the role of this variant in disease. Therefore, it has been classified as a Variant of Uncertain Significance. This sequence change replaces alanine, which is neutral and non-polar, with threonine, which is neutral and polar, at codon 43 of the TNNI3 protein (p.Ala43Thr). This variant is not present in population databases (gnomAD no frequency). This variant has not been reported in the literature in individuals affected with TNNI3-related conditions. ClinVar contains an entry for this variant (Variation ID: 1333080). Algorithms developed to predict the effect of missense changes on protein structure and function are either unavailable or do not agree on the potential impact of this missense change (SIFT: "Deleterious"; PolyPhen-2: "Benign"; Align-GVGD: "Class C0").

GeneDx
Classification: Likely pathogenic. Last evaluated: 2021-12-30. Review status: criteria provided, single submitter. Criteria: GeneDx Variant Classification Process June 2021. Collection method: clinical testing. Allele origin: germline. Affected: yes.
Comment: Has not been previously published as pathogenic or benign to our knowledge; Not observed at significant frequency in large population cohorts (gnomAD); In silico analysis supports that this missense variant does not alter protein structure/function

NM_000363.5(TNNI3):c.127G>A (p.Ala43Thr)

Gene: TNNI3 (troponin I3, cardiac type; minus strand). Cytogenetic location: 19q13.42.
Variant type: single nucleotide variant.
Coding change: c.127G>A on transcript NM_000363.5 (MANE Select); coding-DNA position 127, G replaced by A.
Protein change: p.Ala43Thr; replaces alanine 43 with threonine.
Molecular consequence: missense variant.
Genome position (GRCh38, 1-based): chr19:55,156,626, C>T on the plus strand (G>A on the coding strand, the complement: TNNI3 is on the minus strand). VCF-style: chr19-55156626-C-T. GRCh37 (hg19) VCF-style: chr19-55667994-C-T.
Other names: short protein forms A43T.
Identifiers: ClinVar variation 1333080 (VCV001333080.5), dbSNP rs727505023, ClinGen allele CA407442424.